The following is an entry in ClinVar:

ClinVar aggregate classification (germline): Pathogenic (1 of 4 stars; one submission).

Conditions:
Stickler syndrome type 1 (STL1). Also called: ARTHROOPHTHALMOPATHY, HEREDITARY PROGRESSIVE; COL2A1-Related Stickler Syndrome; STICKLER SYNDROME, MEMBRANOUS VITREOUS TYPE; STICKLER SYNDROME, VITREOUS TYPE 1. Identifiers: Orphanet 828, Orphanet 90653, MedGen C2020284, MONDO:0007160, OMIM 108300.

Submission:

Victorian Clinical Genetics Services, Murdoch Childrens Research Institute
Classification: Pathogenic for Stickler syndrome type 1. Last evaluated: 2020-05-26. Review status: criteria provided, single submitter. Criteria: ACMG Guidelines, 2015. Collection method: clinical testing. Allele origin: germline. Inheritance: Autosomal dominant inheritance. Affected: yes.
Comment: Based on the classification scheme VCGS_Germline_v1.1.1, this variant is classified as pathogenic. Following criteria are met: 0102 - Loss-of-function is a known mechanism of disease for this gene. Variants resulting in a premature termination codon have been shown to result in haploinsufficiency (PMID: 17721977, PMID: 27234559, PMID: 20179744). (N) 0104 - Dominant Negative is a known mechanism of disease for this gene. Missense variants affecting glycine residues have been shown to cause a dominant negative disease mechanism (PMID: 15895462). (N) 0107 - This gene is known to be associated with autosomal dominant disease. (N) 0201 - Variant is located in exon 20 of 54 and is predicted to cause nonsense-mediated decay (NMD) and loss of protein. (P) 0251 - Variant is heterozygous. (N) 0301 - Variant is absent from gnomAD. (P) 0701 - Comparable variants also predicted to result in NMD, have very strong previous evidence for pathogenicity. Many (>50) variants resulting in a premature termination codon in patients with Stickler syndrome, have been reported pathogenic or likely pathogenic (PMID: 31736238). (P) 0807 - Variant has not previously been reported in a clinical context. (N) 0905 - No segregation evidence has been identified for this variant. (N) 1007 - No published functional evidence has been identified for this variant. (N) 1208 - Inheritance information for this variant is not currently available. (N) Legend: (P) - Pathogenic, (N) - Neutral, (B) - Benign

Literature cited by the submitters: PubMed 15895462; PubMed 17721977; PubMed 20179744; PubMed 27234559; PubMed 31736238.

NM_001844.5(COL2A1):c.1258G>T (p.Gly420Ter)

Gene: COL2A1 (collagen type II alpha 1 chain; minus strand). Cytogenetic location: 12q13.11.
Variant type: single nucleotide variant.
Coding change: c.1258G>T on transcript NM_001844.5 (MANE Select); coding-DNA position 1258, G replaced by T.
Protein change: p.Gly420Ter; replaces glycine 420 with a stop codon.
Molecular consequence: nonsense.
Genome position (GRCh38, 1-based): chr12:47,987,277, C>A on the plus strand (G>T on the coding strand, the complement: COL2A1 is on the minus strand). VCF-style: chr12-47987277-C-A. GRCh37 (hg19) VCF-style: chr12-48381060-C-A.
Other names: c.1051G>T, p.Gly351Ter (NM_033150.3); c.1258G>T (NM_001844.4); short protein forms G351*, G420*.
Identifiers: ClinVar variation 1805331 (VCV001805331.1), dbSNP rs867799325, ClinGen allele CA384554157.